The following is an entry in ClinVar:

NM_001844.5(COL2A1):c.519del (p.Gly174fs)

Gene: COL2A1 (collagen type II alpha 1 chain; minus strand). Cytogenetic location: 12q13.11.
Variant type: Deletion.
Coding change: c.519del on transcript NM_001844.5 (MANE Select); coding-DNA position 519, one base deleted (T; older notation c.519delT).
Protein change: p.Gly174fs; shifts the reading frame from glycine 174.
Molecular consequence: frameshift variant.
Genome position (GRCh38, 1-based): chr12:47,997,618, A deleted on the plus strand (T on the coding strand, the reverse complement: COL2A1 is on the minus strand). VCF-style (leftmost placement, unchanged base first): chr12-47997617-CA-C. GRCh37 (hg19) VCF-style: chr12-48391400-CA-C.
Other names: c.312del, p.Gly105fs (NM_033150.3); short protein forms G105fs, G174fs.
Identifiers: ClinVar variation 806875 (VCV000806875.50), dbSNP rs1592235124, ClinGen allele CA915948792.
Genomic context (GRCh38, chr12:47,997,617, plus strand): 5'-CACATTTCTGGAGGGACAGCCTGAAGGAATGGGAAGTAAGGATACTTACTCCACCAAGAC[CA>C]GGGGGACCAGGGGGGCCGGGAGGACCAGGGGGGCCAGGATTTCCAGGGGTCCCAGGTTCT-3'

ClinVar aggregate classification (germline): Pathogenic/Likely pathogenic. Review status: criteria provided, multiple submitters, no conflicts (2 of 4 stars). 6 submissions from 6 submitters: Pathogenic (4); Likely pathogenic (2). Last evaluated 2025-07-08.

Conditions:
Autosomal dominant COL2A1-related disorders.
COL2A1-related disorder. Also called: COL2A1-related condition; COL2A1-related disorders.
Stickler syndrome. Identifiers: Orphanet 828, MedGen C0265253, MONDO:0019354.

Submissions (6):

Variantyx, Inc.
Classification: Pathogenic for Autosomal dominant COL2A1-related disorders. Last evaluated: 2025-07-08. Review status: criteria provided, single submitter. Criteria: Variantyx Assertion Criteria 2022. Collection method: clinical testing. Allele origin: de novo. Inheritance: Autosomal dominant inheritance. Affected: yes.
Comment: This is a frameshift variant in the COL2A1 gene (OMIM: 120140). Pathogenic variants in this gene have been associated with autosomal dominant COL2A1-related disorders. This variant introduces a premature termination codon in exon 7 out of 54 and is expected to result in loss of function, which is a known disease mechanism for COL2A1 in this disorder (PMID: 20179744) (PVS1). This variant is absent from control populations (PM2). Based on the current evidence, this variant is classified as pathogenic for autosomal dominant COL2A1-related disorders.

Cambridge Genomics Laboratory, East Genomic Laboratory Hub, NHS Genomic Medicine Service
Classification: Pathogenic for Stickler syndrome. Last evaluated: 2025-04-07. Review status: criteria provided, single submitter. Criteria: ACGS Best Practice Guidelines for Variant Classification in Rare Disease 2020. Collection method: clinical testing. Allele origin: germline. Affected: yes.
Comment: PVS1,PM2

Labcorp Genetics (formerly Invitae), Labcorp
Classification: Pathogenic. Last evaluated: 2022-10-13. Review status: criteria provided, single submitter. Criteria: Invitae Variant Classification Sherloc (09022015). Collection method: clinical testing. Allele origin: germline.
Comment: For these reasons, this variant has been classified as Pathogenic. ClinVar contains an entry for this variant (Variation ID: 806875). This variant has not been reported in the literature in individuals affected with COL2A1-related conditions. This variant is not present in population databases (gnomAD no frequency). This sequence change creates a premature translational stop signal (p.Gly174Valfs*25) in the COL2A1 gene. It is expected to result in an absent or disrupted protein product. Loss-of-function variants in COL2A1 are known to be pathogenic (PMID: 20179744).

GeneDx
Classification: Pathogenic. Last evaluated: 2020-01-17. Review status: criteria provided, single submitter. Criteria: GeneDx Variant Classification Process June 2021. Collection method: clinical testing. Allele origin: germline. Affected: yes.
Comment: Has not been previously published as pathogenic or benign to our knowledge; Not observed in large population cohorts (Lek et al., 2016); Frameshift variant predicted to result in protein truncation or nonsense mediated decay in a gene for which loss-of-function is a known mechanism of disease

Blueprint Genetics
Classification: Likely pathogenic for COL2A1-related disorders. Last evaluated: 2017-10-11. Review status: criteria provided, single submitter. Criteria: ACMG Guidelines, 2015. Collection method: clinical testing. Allele origin: germline. Affected: yes. Observed: 1 variant allele.

CeGaT Center for Human Genetics Tuebingen
Classification: Likely pathogenic. Last evaluated: 2016-06-01. Review status: criteria provided, single submitter. Criteria: CeGaT Center For Human Genetics Tuebingen Variant Classification Criteria Version 2. Collection method: clinical testing. Allele origin: germline. Affected: yes. Observed: 1 variant allele.

Literature cited by the submitters: PubMed 20179744 (cited by Variantyx, Inc. and Labcorp Genetics (formerly Invitae), Labcorp).